The following is an entry in ClinVar:

NM_007194.4(CHEK2):c.1228T>C (p.Cys410Arg)

Gene: CHEK2 (checkpoint kinase 2; minus strand). Cytogenetic location: 22q12.1.
Variant type: single nucleotide variant.
Coding change: c.1228T>C on transcript NM_007194.4 (MANE Select); coding-DNA position 1228, T replaced by C.
Protein change: p.Cys410Arg; replaces cysteine 410 with arginine.
Molecular consequence: missense variant.
Genome position (GRCh38, 1-based): chr22:28,695,741, A>G on the plus strand (T>C on the coding strand, the complement: CHEK2 is on the minus strand). VCF-style: chr22-28695741-A-G. GRCh37 (hg19) VCF-style: chr22-29091729-A-G.
Other names: c.1357T>C, p.Cys453Arg (NM_001005735.3); c.565T>C, p.Cys189Arg (NM_001257387.3); c.1027T>C, p.Cys343Arg (NM_001349956.3); c.1141T>C, p.Cys381Arg (NM_145862.3); short protein forms C189R, C343R, C453R, C381R, C410R.
Identifiers: ClinVar variation 934708 (VCV000934708.10), dbSNP rs1555913689, ClinGen allele CA411096659.

ClinVar aggregate classification (germline): Uncertain significance (1 of 4 stars; one submission).

Conditions:
Familial cancer of breast. Also called: Hereditary breast cancer; hereditary breast carcinoma; BREAST CANCER, FAMILIAL. Identifiers: Orphanet 227535, MedGen C0346153, MONDO:0016419, OMIM 114480. Disease mechanism: loss of function.

Submission:

Labcorp Genetics (formerly Invitae), Labcorp
Classification: Uncertain significance for Familial cancer of breast. Last evaluated: 2020-09-11. Review status: criteria provided, single submitter. Criteria: Invitae Variant Classification Sherloc (09022015). Collection method: clinical testing. Allele origin: germline.
Comment: This sequence change replaces cysteine with arginine at codon 410 of the CHEK2 protein (p.Cys410Arg). The cysteine residue is moderately conserved and there is a large physicochemical difference between cysteine and arginine. This variant is not present in population databases (ExAC no frequency). This variant has not been reported in the literature in individuals with CHEK2-related conditions. Algorithms developed to predict the effect of missense changes on protein structure and function are either unavailable or do not agree on the potential impact of this missense change (SIFT: "Tolerated"; PolyPhen-2: "Probably Damaging"; Align-GVGD: "Class C0"). In summary, the available evidence is currently insufficient to determine the role of this variant in disease. Therefore, it has been classified as a Variant of Uncertain Significance.